The following is an entry in ClinVar:

ClinVar aggregate classification (germline): Benign (1 of 4 stars; one submission).

Allele frequency attached by ClinVar (database versions not stated): gnomAD 0.52451 and 0.52601; TOPMed 0.54476; 1000 Genomes Project 30x 0.62414; 1000 Genomes Project 0.62460.
gnomAD v4.1: 79,812 of 152,054 alleles (52%); highest among the groups gnomAD compares: East Asian, 85%; 22,921 homozygotes.

Submission:

GeneDx
Classification: Benign. Last evaluated: 2018-06-14. Review status: criteria provided, single submitter. Criteria: GeneDx Variant Classification (06012015). Collection method: clinical testing. Allele origin: germline. Affected: yes.
Comment: This variant is considered likely benign or benign based on one or more of the following criteria: it is a conservative change, it occurs at a poorly conserved position in the protein, it is predicted to be benign by multiple in silico algorithms, and/or has population frequency not consistent with disease.

NM_001005361.3(DNM2):c.1128+158G>C

Gene: DNM2 (dynamin 2; plus strand). Cytogenetic location: 19p13.2.
Variant type: single nucleotide variant.
Coding change: c.1128+158G>C on transcript NM_001005361.3 (MANE Select); 158 bases into the intron after coding-DNA position 1128, G replaced by C.
Molecular consequence: intron variant.
Genome position (GRCh38, 1-based): chr19:10,794,013, G>C. VCF-style: chr19-10794013-G-C. GRCh37 (hg19) VCF-style: chr19-10904689-G-C.
Other names: c.1128+158G>C (NM_001005360.3, NM_001190716.2, NM_004945.4 and 1 more transcripts).
Identifiers: ClinVar variation 679312 (VCV000679312.1), dbSNP rs1610095, ClinGen allele CA15942269.